The following is an entry in ClinVar:

ClinVar aggregate classification (germline): Uncertain significance (1 of 4 stars; one submission).

Conditions:
Inborn genetic diseases. Identifiers: MedGen C0950123, MeSH D030342.

Submission:

Ambry Genetics
Classification: Uncertain significance for Inborn genetic diseases. Last evaluated: 2025-04-17. Review status: criteria provided, single submitter. Criteria: Ambry Variant Classification Scheme 2023. Collection method: clinical testing. Allele origin: germline.
Comment: The p.Q921R variant (also known as c.2762A>G), located in coding exon 21 of the BUB1B gene, results from an A to G substitution at nucleotide position 2762. The glutamine at codon 921 is replaced by arginine, an amino acid with highly similar properties. This amino acid position is conserved. In addition, this alteration is predicted to be tolerated by in silico analysis. Based on the available evidence, the clinical significance of this variant remains unclear.

NM_001211.6(BUB1B):c.2762A>G (p.Gln921Arg)

Genes: BUB1B (BUB1 mitotic checkpoint serine/threonine kinase B; plus strand), BUB1B-PAK6 (BUB1B-PAK6 readthrough; plus strand). Cytogenetic location: 15q15.1.
Variant type: single nucleotide variant.
Coding change: c.2762A>G on transcript NM_001211.6 (MANE Select); coding-DNA position 2762, A replaced by G.
Protein change: p.Gln921Arg; replaces glutamine 921 with arginine.
Molecular consequence: missense variant. On other transcripts: 5 prime UTR variant (2).
Genome position (GRCh38, 1-based): chr15:40,217,579, A>G. VCF-style: chr15-40217579-A-G. GRCh37 (hg19) VCF-style: chr15-40509780-A-G.
Other names: c.-289A>G (NM_001128628.3); c.-206A>G (NM_001128629.3); short protein forms Q921R.
Identifiers: ClinVar variation 3993708 (VCV003993708.1).